The following is an entry in ClinVar:

NM_000346.4(SOX9):c.238G>A (p.Val80Met)

Genes: SOX9 (SRY-box transcription factor 9; plus strand), LOC108021846 (SOX9 promoter region; plus strand). Cytogenetic location: 17q24.3.
Variant type: single nucleotide variant.
Coding change: c.238G>A on transcript NM_000346.4 (MANE Select); coding-DNA position 238, G replaced by A.
Protein change: p.Val80Met; replaces valine 80 with methionine.
Molecular consequence: missense variant.
Genome position (GRCh38, 1-based): chr17:72,121,629, G>A. VCF-style: chr17-72121629-G-A. GRCh37 (hg19) VCF-style: chr17-70117770-G-A.
Other names: short protein forms V80M.
Identifiers: ClinVar variation 4631884 (VCV004631884.2).
Genomic context (GRCh38, chr17:72,121,629, plus strand): 5'-CTGAAGAAGGAGAGCGAGGAGGACAAGTTCCCCGTGTGCATCCGCGAGGCGGTCAGCCAG[G>A]TGCTCAAAGGCTACGACTGGACGCTGGTGCCCATGCCGGTGCGCGTCAACGGCTCCAGCA-3'
Protein context (NP_000337.1, residues 70-90): PVCIREAVSQ[Val80Met]LKGYDWTLVP

ClinVar aggregate classification (germline): Uncertain significance (1 of 4 stars; one submission).

Conditions:
Inborn genetic diseases. Identifiers: MedGen C0950123, MeSH D030342.

Submission:

Ambry Genetics
Classification: Uncertain significance for Inborn genetic diseases. Last evaluated: 2025-12-23. Review status: criteria provided, single submitter. Criteria: Ambry Variant Classification Scheme 2023. Collection method: clinical testing. Allele origin: germline.
Comment: The c.238G>A (p.V80M) alteration is located in exon 1 (coding exon 1) of the SOX9 gene. This alteration results from a G to A substitution at nucleotide position 238, causing the valine (V) at amino acid position 80 to be replaced by a methionine (M). This variant was not reported in population-based cohorts in the Genome Aggregation Database (gnomAD). Another variant at the same codon, c.239T>G (p.V80G), has been identified in individual(s) with features consistent with SOX9-related campomelic dysplasia (Takenouchi, 2014). This amino acid position is highly conserved in available vertebrate species. This missense alteration is located in a region that has a low rate of benign missense variation (Lek, 2016; Firth, 2009). The in silico prediction for this alteration is inconclusive. Based on insufficient or conflicting evidence, the clinical significance of this alteration remains unclear.

Literature cited by the submitters: PubMed 24704791.